The following is an entry in ClinVar:

ClinVar aggregate classification (germline): Pathogenic (1 of 4 stars; one submission).

Conditions:
Bethlem myopathy 1A. Also called: MYOPATHY, BENIGN CONGENITAL, WITH CONTRACTURES; Bethlem myopathy 1; Bethlem Muscular Dystrophy. Identifiers: Orphanet 610, MedGen CN029274, MONDO:0024530, OMIM 158810.

Submission:

Labcorp Genetics (formerly Invitae), Labcorp
Classification: Pathogenic for Bethlem myopathy 1A. Last evaluated: 2025-04-10. Review status: criteria provided, single submitter. Criteria: Invitae Variant Classification Sherloc (09022015). Collection method: clinical testing. Allele origin: germline.
Comment: This sequence change creates a premature translational stop signal (p.Gln570*) in the COL6A3 gene. It is expected to result in an absent or disrupted protein product. Loss-of-function variants in COL6A3 are known to be pathogenic (PMID: 26004199). This variant is not present in population databases (gnomAD no frequency). This variant has not been reported in the literature in individuals affected with COL6A3-related conditions. For these reasons, this variant has been classified as Pathogenic.

Literature cited by the submitters: PubMed 26004199.

NM_004369.4(COL6A3):c.1708C>T (p.Gln570Ter)

Gene: COL6A3 (collagen type VI alpha 3 chain; minus strand). Cytogenetic location: 2q37.3.
Variant type: single nucleotide variant.
Coding change: c.1708C>T on transcript NM_004369.4 (MANE Select); coding-DNA position 1708, C replaced by T.
Protein change: p.Gln570Ter; replaces glutamine 570 with a stop codon.
Molecular consequence: nonsense.
Genome position (GRCh38, 1-based): chr2:237,381,104, G>A on the plus strand (C>T on the coding strand, the complement: COL6A3 is on the minus strand). VCF-style: chr2-237381104-G-A. GRCh37 (hg19) VCF-style: chr2-238289747-G-A.
Other names: c.1090C>T, p.Gln364Ter (NM_057167.4, NM_057165.5); c.487C>T, p.Gln163Ter (NM_057164.5, NM_057166.5); short protein forms Q163*, Q570*, Q364*.
Identifiers: ClinVar variation 4717097 (VCV004717097.1).